The following is an entry in ClinVar:

NM_004304.5(ALK):c.4472A>G (p.Lys1491Arg)

Gene: ALK (ALK receptor tyrosine kinase; minus strand). Cytogenetic location: 2p23.2.
Variant type: single nucleotide variant.
Coding change: c.4472A>G on transcript NM_004304.5 (MANE Select); coding-DNA position 4472, A replaced by G.
Protein change: p.Lys1491Arg; replaces lysine 1491 with arginine.
Molecular consequence: missense variant.
Genome position (GRCh38, 1-based): chr2:29,193,615, T>C on the plus strand (A>G on the coding strand, the complement: ALK is on the minus strand). VCF-style: chr2-29193615-T-C. GRCh37 (hg19) VCF-style: chr2-29416481-T-C.
Other names: c.1268A>G, p.Lys423Arg (NM_001353765.2); short protein forms K1491R, K423R.
Identifiers: ClinVar variation 133474 (VCV000133474.29), dbSNP rs1881420, ClinGen allele CA156638.

ClinVar aggregate classification (germline): Benign. Review status: criteria provided, multiple submitters, no conflicts (2 of 4 stars). 17 submissions from 17 submitters: Benign (12). 5 of the submissions do not count toward it. Last evaluated 2026-02-04.

Conditions:
Hereditary cancer-predisposing syndrome. Also called: Tumor predisposition; Hereditary neoplastic syndrome; Neoplastic Syndromes, Hereditary; Hereditary Cancer Syndrome. Identifiers: Orphanet 140162, MedGen C0027672, MeSH D009386, MONDO:0015356.
Neuroblastoma, susceptibility to, 3. Also called: ALK-Related Neuroblastic Tumor Susceptibility. Identifiers: Orphanet 635, MedGen C2751681, MONDO:0013083, OMIM 613014.
Squamous cell lung carcinoma. Also called: Squamous cell carcinoma of lung; Lung cancer, squamous cell, somatic. Identifiers: MedGen C0149782, MONDO:0005097, HP:0030359.

Allele frequency attached by ClinVar (database versions not stated): ESP Exome Variant Server 0.22336; gnomAD exomes 0.26005 and 0.34365; gnomAD 0.26767 and 0.27815; TOPMed 0.29052; ExAC 0.33182; 1000 Genomes Project 30x 0.40865; 1000 Genomes Project 0.41514.
gnomAD v4.1: 423,090 of 1,614,050 alleles (26%); highest among the groups gnomAD compares: East Asian, 73%; 66,530 homozygotes.

Submissions (17):

Labcorp Genetics (formerly Invitae), Labcorp
Classification: Benign for Neuroblastoma, susceptibility to, 3. Last evaluated: 2026-02-04. Review status: criteria provided, single submitter. Criteria: Invitae Variant Classification Sherloc (09022015). Collection method: clinical testing. Allele origin: germline.

KCCC/NGS Laboratory, Kuwait Cancer Control Center
Classification: Benign for Neuroblastoma, susceptibility to, 3. Last evaluated: 2023-07-07. Review status: criteria provided, single submitter. Criteria: ACMG Guidelines, 2015. Collection method: clinical testing. Allele origin: germline. Affected: yes.

Department of Pathology and Laboratory Medicine, Sinai Health System
Classification: Benign for neuroblastoma, susceptibility to, 3. Last evaluated: 2023-04-24. Review status: criteria provided, single submitter. Criteria: ACMG Guidelines, 2015. Collection method: research. Allele origin: germline.

Mayo Clinic Laboratories, Mayo Clinic
Classification: Benign. Last evaluated: 2022-02-18. Review status: criteria provided, single submitter. Criteria: ACMG Guidelines, 2015. Collection method: clinical testing. Allele origin: germline. Observed: 123 variant alleles.

Illumina Laboratory Services, Illumina
Classification: Benign for Neuroblastoma, susceptibility to, 3. Last evaluated: 2018-01-13. Review status: criteria provided, single submitter. Criteria: ICSL Variant Classification Criteria 13 December 2019. Collection method: clinical testing. Allele origin: germline.
Comment: This variant was observed in the ICSL laboratory as part of a predisposition screen in an ostensibly healthy population. It had not been previously curated by ICSL or reported in the Human Gene Mutation Database (HGMD: prior to June 1st, 2018), and was therefore a candidate for classification through an automated scoring system. Utilizing variant allele frequency, disease prevalence and penetrance estimates, and inheritance mode, an automated score was calculated to assess if this variant is too frequent to cause the disease. Based on the score and internal cut-off values, a variant classified as benign is not then subjected to further curation. The score for this variant resulted in a classification of benign for this disease.

Ambry Genetics
Classification: Benign for Hereditary cancer-predisposing syndrome. Last evaluated: 2016-12-12. Review status: criteria provided, single submitter. Criteria: Ambry Variant Classification Scheme 2023. Collection method: clinical testing. Allele origin: germline.

Women's Health and Genetics/Laboratory Corporation of America, LabCorp
Classification: Benign. Last evaluated: 2016-04-27. Review status: criteria provided, single submitter. Criteria: LabCorp Variant Classification Summary - May 2015. Collection method: clinical testing. Allele origin: germline.
Comment: Variant summary: The ALK c.4472A>G variant affects a conserved nucleotide, resulting in amino acid change from Lys to Arg. 5/5 in-silico tools predict benign outcome for this variant. This variant was found in 40280/121392 control chromosomes (8650 homozygotes) at a frequency of 0.3318176, which is about 796362 times the maximal expected frequency of a pathogenic ALK allele (0.0000004), highly suggesting this variant is benign. Taken together, this variant was classified as benign.

GeneDx
Classification: Benign. Last evaluated: 2016-04-05. Review status: criteria provided, single submitter. Criteria: GeneDx Variant Classification (06012015). Collection method: clinical testing. Allele origin: germline. Affected: yes.
Comment: This variant is considered likely benign or benign based on one or more of the following criteria: it is a conservative change, it occurs at a poorly conserved position in the protein, it is predicted to be benign by multiple in silico algorithms, and/or has population frequency not consistent with disease.

Laboratory for Molecular Medicine, Mass General Brigham Personalized Medicine
Classification: Benign. Last evaluated: 2016-03-29. Review status: criteria provided, single submitter. Criteria: LMM Criteria. Collection method: clinical testing. Allele origin: germline.
Comment: Variant identified in a genome or exome case(s) and assessed due to predicted null impact of the variant or pathogenic assertions in the literature or databases. Disclaimer: This variant has not undergone full assessment. The following are preliminary notes: Frequency

Clinical Genetics DNA and cytogenetics Diagnostics Lab, Erasmus MC, Erasmus Medical Center
Classification: Benign for Neuroblastoma, susceptibility to, 3. Last evaluated: 2015-09-21. Review status: criteria provided, single submitter. Criteria: ACGS Guidelines, 2013. Collection method: clinical testing. Allele origin: germline. Affected: yes. Study: VKGL Data-share Consensus.

Breakthrough Genomics
Classification: Benign. Review status: criteria provided, single submitter. Criteria: ACMG Guidelines, 2015. Collection method: not provided. Allele origin: germline. Inheritance: Unknown mechanism. Affected: yes.

PreventionGenetics, part of Exact Sciences
Classification: Benign. Review status: criteria provided, single submitter. Criteria: ACMG Guidelines, 2015. Collection method: clinical testing. Allele origin: germline.

Faculté Pluridciplinaire Nador, Université Mohamed Premier
Classification: Likely pathogenic for Squamous Cell Lung Carcinoma. Last evaluated: 2020-05-05. Review status: no assertion criteria provided. Collection method: clinical testing, in vivo. Allele origin: somatic. Affected: yes. Observed: 1 variant allele. Not counted in ClinVar's aggregate classification.

ITMI
No classification provided. Condition: AllHighlyPenetrant. Last evaluated: 2013-09-19. Review status: no classification provided. Collection method: reference population. Allele origin: germline. Not counted in ClinVar's aggregate classification.
Comment: Please see associated publication for description of ethnicities

Diagnostic Laboratory, Department of Genetics, University Medical Center Groningen
Classification: Benign for Neuroblastoma, susceptibility to, 3. Review status: no assertion criteria provided. Collection method: clinical testing. Allele origin: germline. Affected: yes. Study: VKGL Data-share Consensus. Not counted in ClinVar's aggregate classification.

Genome Diagnostics Laboratory, University Medical Center Utrecht
Classification: Benign. Review status: no assertion criteria provided. Collection method: clinical testing. Allele origin: germline. Affected: yes. Study: VKGL Data-share Consensus. Not counted in ClinVar's aggregate classification.

Joint Genome Diagnostic Labs from Nijmegen and Maastricht, Radboudumc and MUMC+
Classification: Benign. Review status: no assertion criteria provided. Collection method: clinical testing. Allele origin: germline. Affected: yes. Study: VKGL Data-share Consensus. Not counted in ClinVar's aggregate classification.

Literature cited by the submitters: DOI 10.3389/fonc.2020.01215 (cited by Faculté Pluridciplinaire Nador, Université Mohamed Premier); PubMed 24728327 (cited by ITMI).